The following is an entry in ClinVar:

NM_001690.4(ATP6V1A):c.1840_1841insACCTTGAAGATTAGAA (p.Ser614delinsAsnLeuGluAspTer)

Gene: ATP6V1A (ATPase H+ transporting V1 subunit A; plus strand). Cytogenetic location: 3q13.31.
Variant type: Insertion.
Coding change: c.1840_1841insACCTTGAAGATTAGAA on transcript NM_001690.4 (MANE Select); coding-DNA positions 1840 to 1841, ACCTTGAAGATTAGAA inserted.
Protein change: p.Ser614delinsAsnLeuGluAspTer.
Molecular consequence: nonsense.
Genome position: GRCh38 VCF-style: chr3-113809412-T-TAACCTTGAAGATTAGA. GRCh37 (hg19) VCF-style: chr3-113528259-T-TAACCTTGAAGATTAGA.
Identifiers: ClinVar variation 2033580 (VCV002033580.4), dbSNP rs1709316303, ClinGen allele CA2497044452.

ClinVar aggregate classification (germline): Uncertain significance (1 of 4 stars; one submission).

Submission:

Labcorp Genetics (formerly Invitae), Labcorp
Classification: Uncertain significance. Last evaluated: 2023-12-19. Review status: criteria provided, single submitter. Criteria: Invitae Variant Classification Sherloc (09022015). Collection method: clinical testing. Allele origin: germline.
Comment: This sequence change results in a frameshift in the ATP6V1A gene (p.Ser614Asnfs*5). While this is not anticipated to result in nonsense mediated decay, it is expected to disrupt the last 4 amino acid(s) of the ATP6V1A protein and extend the protein by 0 additional amino acid residues. This variant is not present in population databases (gnomAD no frequency). This variant has not been reported in the literature in individuals affected with ATP6V1A-related conditions. ClinVar contains an entry for this variant (Variation ID: 2033580). Experimental studies and prediction algorithms are not available or were not evaluated, and the functional significance of this variant is currently unknown. In summary, the available evidence is currently insufficient to determine the role of this variant in disease. Therefore, it has been classified as a Variant of Uncertain Significance.